The following is an entry in ClinVar:

NM_001042492.3(NF1):c.6372_6373del (p.Leu2125fs)

Gene: NF1 (neurofibromin 1; plus strand). Cytogenetic location: 17q11.2.
Variant type: Deletion.
Coding change: c.6372_6373del on transcript NM_001042492.3 (MANE Select); coding-DNA positions 6372 to 6373, 2 bases deleted (AC; older notation c.6372_6373delAC).
Protein change: p.Leu2125fs; shifts the reading frame from leucine 2125.
Molecular consequence: frameshift variant.
Genome position (GRCh38, 1-based): chr17:31,336,859-31,336,860, AC deleted. VCF-style (leftmost placement, unchanged base first): chr17-31336858-GAC-G. GRCh37 (hg19) VCF-style: chr17-29663876-GAC-G.
Other names: c.6309_6310delAC (NM_000267.3); c.6309_6310delAC, p.Leu2104Glyfs (NM_000267.4); short protein forms L2104fs, L2125fs.
Identifiers: ClinVar variation 3366540 (VCV003366540.1).
Genomic context (GRCh38, chr17:31,336,858, plus strand): 5'-TCCACGTTGTTACTTTCTTAGTAGCCACAGGTCCGCTCTCCCTTAGAGCTTCCACACATG[GAC>G]TGGTCATTAATATCATTCACTCTCTGTGTACTTGTTCACAGCTTCATTTTAGTGGTAAGT-3'

ClinVar aggregate classification (germline): Pathogenic (1 of 4 stars; one submission).

Conditions:
Neurofibromatosis, type 1 (NF1). Also called: VON RECKLINGHAUSEN DISEASE; Peripheral type neurofibromatosis; Neurofibromatosis, type I; NEUROFIBROMATOSIS, TYPE I, SOMATIC. Identifiers: Orphanet 636, MedGen C0027831, MONDO:0018975, OMIM 162200. Disease mechanism: loss of function.

Submission:

Women's Health and Genetics/Laboratory Corporation of America, LabCorp
Classification: Pathogenic for Neurofibromatosis, type 1. Last evaluated: 2024-08-02. Review status: criteria provided, single submitter. Criteria: LabCorp Variant Classification Summary - May 2015. Collection method: clinical testing. Allele origin: germline.
Comment: Variant summary: NF1 c.6309_6310delAC (p.Leu2104GlyfsX3) results in a premature termination codon, predicted to cause absence of the protein due to nonsense mediated decay, which is a commonly known mechanism for disease. The variant was absent in 250992 control chromosomes (gnomAD). To our knowledge, no occurrence of c.6309_6310delAC in individuals affected with Neurofibromatosis Type 1 and no experimental evidence demonstrating its impact on protein function have been reported. No submitters have cited clinical-significance assessments for this variant to ClinVar. Based on the evidence outlined above, the variant was classified as pathogenic.